The following is an entry in ClinVar:

ClinVar aggregate classification (germline): Likely benign (1 of 4 stars; one submission).

Allele frequency attached by ClinVar (database versions not stated): 1000 Genomes Project 0.00719; 1000 Genomes Project 30x 0.00734; gnomAD 0.01438 and 0.01443; TOPMed 0.01460.
gnomAD v4.1: 2,185 of 152,240 alleles (1.4%); highest among the groups gnomAD compares: Middle Eastern, 2.7%; 18 homozygotes.

Submission:

GeneDx
Classification: Likely benign. Last evaluated: 2018-06-16. Review status: criteria provided, single submitter. Criteria: GeneDx Variant Classification (06012015). Collection method: clinical testing. Allele origin: germline. Affected: yes.
Comment: This variant is considered likely benign or benign based on one or more of the following criteria: it is a conservative change, it occurs at a poorly conserved position in the protein, it is predicted to be benign by multiple in silico algorithms, and/or has population frequency not consistent with disease.

NM_139276.3(STAT3):c.273+263G>A

Gene: STAT3 (signal transducer and activator of transcription 3; minus strand). Cytogenetic location: 17q21.2.
Variant type: single nucleotide variant.
Coding change: c.273+263G>A on transcript NM_139276.3 (MANE Select); 263 bases into the intron after coding-DNA position 273, G replaced by A.
Molecular consequence: intron variant.
Genome position (GRCh38, 1-based): chr17:42,346,306, C>T on the plus strand (G>A on the coding strand, the complement: STAT3 is on the minus strand). VCF-style: chr17-42346306-C-T. GRCh37 (hg19) VCF-style: chr17-40498324-C-T.
Other names: c.273+263G>A (NM_001384989.1, NM_001384992.1, NM_001384984.1 and 17 more transcripts).
Identifiers: ClinVar variation 673402 (VCV000673402.1), dbSNP rs112232969, ClinGen allele CA290746911.